The following is an entry in ClinVar:

NM_018943.3(TUBA8):c.1141A>T (p.Thr381Ser)

Gene: TUBA8 (tubulin alpha 8; plus strand). Cytogenetic location: 22q11.21.
Variant type: single nucleotide variant.
Coding change: c.1141A>T on transcript NM_018943.3 (MANE Select); coding-DNA position 1141, A replaced by T.
Protein change: p.Thr381Ser; replaces threonine 381 with serine.
Molecular consequence: missense variant.
Genome position (GRCh38, 1-based): chr22:18,130,927, A>T. VCF-style: chr22-18130927-A-T. GRCh37 (hg19) VCF-style: chr22-18613694-A-T.
Other names: c.1141A>T (NM_018943.2); c.943A>T, p.Thr315Ser (NM_001193414.2); short protein forms T315S, T381S.
Identifiers: ClinVar variation 1429103 (VCV001429103.7), dbSNP rs927347132, ClinGen allele CA321288502.
Genomic context (GRCh38, chr22:18,130,927, plus strand): 5'-ACCGTGGTCCCCGGGGGAGACCTGGCCAAGGTGCAGCGGGCCGTCTGCATGCTCAGCAAC[A>T]CCACGGCCATTGCGGAGGCCTGGGCCCGCCTCGACCACAAGTTCGACCTCATGTACGCCA-3'
Protein context (NP_061816.1, residues 371-391): VQRAVCMLSN[Thr381Ser]TAIAEAWARL

ClinVar aggregate classification (germline): Uncertain significance. Review status: criteria provided, multiple submitters, no conflicts (2 of 4 stars). 2 submissions from 2 submitters: Uncertain significance (2). Last evaluated 2024-02-28.

Allele frequency attached by ClinVar (database versions not stated): gnomAD exomes below 0.00001 and 0.00002; gnomAD 0.00001.
gnomAD v4.1: 23 of 1,613,898 alleles (0.0014%); highest among the groups gnomAD compares: Non-Finnish European, 0.0019%; 1 homozygote.

Submissions (2):

Ambry Genetics
Classification: Uncertain significance. Last evaluated: 2024-02-28. Review status: criteria provided, single submitter. Criteria: Ambry Variant Classification Scheme 2023. Collection method: clinical testing. Allele origin: germline.

Labcorp Genetics (formerly Invitae), Labcorp
Classification: Uncertain significance. Last evaluated: 2022-07-19. Review status: criteria provided, single submitter. Criteria: Invitae Variant Classification Sherloc (09022015). Collection method: clinical testing. Allele origin: germline.
Comment: In summary, the available evidence is currently insufficient to determine the role of this variant in disease. Therefore, it has been classified as a Variant of Uncertain Significance. Algorithms developed to predict the effect of missense changes on protein structure and function are either unavailable or do not agree on the potential impact of this missense change (SIFT: "Deleterious"; PolyPhen-2: "Probably Damaging"; Align-GVGD: "Class C0"). ClinVar contains an entry for this variant (Variation ID: 1429103). This variant has not been reported in the literature in individuals affected with TUBA8-related conditions. This variant is present in population databases (no rsID available, gnomAD 0.0009%). This sequence change replaces threonine, which is neutral and polar, with serine, which is neutral and polar, at codon 381 of the TUBA8 protein (p.Thr381Ser).